The following is an entry in ClinVar:

ClinVar aggregate classification (germline): Conflicting classifications of pathogenicity. Review status: criteria provided, conflicting classifications (1 of 4 stars). 4 submissions from 4 submitters: Uncertain significance (3); Likely benign (1). Last evaluated 2026-07-20.

Conditions:
TTLL5-related disorder. Also called: TTLL5-related condition.

Allele frequency attached by ClinVar (database versions not stated): gnomAD 0.00011; TOPMed 0.00018; gnomAD exomes 0.00019 and 0.00034; ExAC 0.00041.
gnomAD v4.1: 322 of 1,612,256 alleles (0.02%); highest among the groups gnomAD compares: Middle Eastern, 0.5%; no homozygotes.

Submissions (4):

PreventionGenetics, part of Exact Sciences
Classification: Uncertain significance for TTLL5-related condition. Last evaluated: 2026-07-20. Review status: criteria provided, single submitter. Criteria: ACMG Guidelines, 2015. Collection method: clinical testing. Allele origin: germline.
Comment: The TTLL5 c.2150G>A variant is predicted to result in the amino acid substitution p.Arg717His. To our knowledge, this variant has not been reported in the literature. This variant is reported in 0.050% of alleles in individuals of European (Non-Finnish) descent in gnomAD. At this time, the clinical significance of this variant is uncertain due to the absence of conclusive functional and genetic evidence.

Blueprint Genetics
Classification: Likely benign. Last evaluated: 2024-11-23. Review status: criteria provided, single submitter. Criteria: ACMG Guidelines, 2015. Collection method: clinical testing. Allele origin: germline.

Labcorp Genetics (formerly Invitae), Labcorp
Classification: Uncertain significance. Last evaluated: 2022-11-01. Review status: criteria provided, single submitter. Criteria: Invitae Variant Classification Sherloc (09022015). Collection method: clinical testing. Allele origin: germline.
Comment: This sequence change replaces arginine, which is basic and polar, with histidine, which is basic and polar, at codon 717 of the TTLL5 protein (p.Arg717His). This variant is present in population databases (rs201405297, gnomAD 0.05%). This variant has not been reported in the literature in individuals affected with TTLL5-related conditions. ClinVar contains an entry for this variant (Variation ID: 954427). Advanced modeling of protein sequence and biophysical properties (such as structural, functional, and spatial information, amino acid conservation, physicochemical variation, residue mobility, and thermodynamic stability) performed at Invitae indicates that this missense variant is not expected to disrupt TTLL5 protein function. In summary, the available evidence is currently insufficient to determine the role of this variant in disease. Therefore, it has been classified as a Variant of Uncertain Significance.

Breakthrough Genomics
Classification: Uncertain significance. Review status: criteria provided, single submitter. Criteria: ACMG Guidelines, 2015. Collection method: not provided. Allele origin: germline. Inheritance: Autosomal recessive inheritance. Affected: yes.

NM_015072.5(TTLL5):c.2150G>A (p.Arg717His)

Gene: TTLL5 (tubulin tyrosine ligase like 5; plus strand). Cytogenetic location: 14q24.3.
Variant type: single nucleotide variant.
Coding change: c.2150G>A on transcript NM_015072.5 (MANE Select); coding-DNA position 2150, G replaced by A.
Protein change: p.Arg717His; replaces arginine 717 with histidine.
Molecular consequence: missense variant.
Genome position (GRCh38, 1-based): chr14:75,775,497, G>A. VCF-style: chr14-75775497-G-A. GRCh37 (hg19) VCF-style: chr14-76241840-G-A.
Other names: short protein forms R717H.
Identifiers: ClinVar variation 954427 (VCV000954427.6), dbSNP rs201405297, ClinGen allele CA7279631.